The following is an entry in ClinVar:

ClinVar aggregate classification (germline): Uncertain significance (1 of 4 stars; one submission).

Conditions:
Hereditary nonpolyposis colorectal neoplasms. Identifiers: MedGen C0009405, MeSH D003123.

Submission:

Labcorp Genetics (formerly Invitae), Labcorp
Classification: Uncertain significance for Hereditary nonpolyposis colorectal neoplasms. Last evaluated: 2020-08-21. Review status: criteria provided, single submitter. Criteria: Invitae Variant Classification Sherloc (09022015). Collection method: clinical testing. Allele origin: germline.
Comment: This variant is not present in population databases (ExAC no frequency). In summary, the available evidence is currently insufficient to determine the role of this variant in disease. Therefore, it has been classified as a Variant of Uncertain Significance. Advanced modeling of protein sequence and biophysical properties (such as structural, functional, and spatial information, amino acid conservation, physicochemical variation, residue mobility, and thermodynamic stability) performed at Invitae indicates that this missense variant is not expected to disrupt MSH6 protein function. This variant has not been reported in the literature in individuals with MSH6-related conditions. This sequence change replaces lysine with asparagine at codon 957 of the MSH6 protein (p.Lys957Asn). The lysine residue is moderately conserved and there is a moderate physicochemical difference between lysine and asparagine.

NM_000179.3(MSH6):c.2871A>T (p.Lys957Asn)

Gene: MSH6 (mutS homolog 6; plus strand). Cytogenetic location: 2p16.3.
Variant type: single nucleotide variant.
Coding change: c.2871A>T on transcript NM_000179.3 (MANE Select); coding-DNA position 2871, A replaced by T.
Protein change: p.Lys957Asn; replaces lysine 957 with asparagine.
Molecular consequence: missense variant.
Genome position (GRCh38, 1-based): chr2:47,800,854, A>T. VCF-style: chr2-47800854-A-T. GRCh37 (hg19) VCF-style: chr2-48027993-A-T.
Other names: c.2481A>T, p.Lys827Asn (NM_001281492.2); c.1965A>T, p.Lys655Asn (NM_001281493.2, NM_001281494.2); short protein forms K655N, K827N, K957N.
Identifiers: ClinVar variation 1052156 (VCV001052156.9), dbSNP rs778079788, ClinGen allele CA346755986.